The following is an entry in ClinVar:

ClinVar aggregate classification (germline): Benign (1 of 4 stars; one submission).

Conditions:
Colorectal cancer, susceptibility to, 1. Also called: COLORECTAL ADENOMA AND CANCER, SUSCEPTIBILITY TO; COLORECTAL CANCER, SUSCEPTIBILITY TO, ON CHROMOSOME 9. Identifiers: MedGen C1837315, MONDO:0012132, OMIM 608812.

Submission:

Myriad Genetics, Inc.
Classification: Benign for Colorectal cancer, susceptibility to, 1. Last evaluated: 2026-04-27. Review status: criteria provided, single submitter. Criteria: Myriad Autosomal Dominant, Autosomal Recessive and X-Linked Classification Criteria (2023). Collection method: clinical testing. Allele origin: unknown.
Comment: This variant is considered benign. This variant is a silent/synonymous amino acid change and it is not expected to impact splicing.

NM_024642.5(GALNT12):c.1152T>C (p.Ala384=)

Gene: GALNT12 (polypeptide N-acetylgalactosaminyltransferase 12; plus strand). Cytogenetic location: 9q22.33.
Variant type: single nucleotide variant.
Coding change: c.1152T>C on transcript NM_024642.5 (MANE Select); coding-DNA position 1152, T replaced by C.
Protein change: p.Ala384=; no amino-acid change (alanine 384 retained).
Molecular consequence: synonymous variant.
Genome position (GRCh38, 1-based): chr9:98,837,088, T>C. VCF-style: chr9-98837088-T-C. GRCh37 (hg19) VCF-style: chr9-101599370-T-C.
Identifiers: ClinVar variation 4875703 (VCV004875703.1).
Genomic context (GRCh38, chr9:98,837,088, plus strand): 5'-TTTCCCCAAGCAAGCTCCCTACTCCCGCAACAAGGCTCTGGCCAACAGTGTTCGTGCAGC[T>C]GAAGTATGGATGGATGAATTTAAAGAGCTCTACTACCATCGCAACCCCCGTGCCCGCTTG-3'
Protein context (NP_078918.3, residues 374-394): NKALANSVRA[Ala384=]EVWMDEFKEL